The following is an entry in ClinVar:

ClinVar aggregate classification (germline): Uncertain significance (1 of 4 stars; one submission).

Conditions:
Hereditary cancer-predisposing syndrome. Also called: Neoplastic Syndromes, Hereditary; Tumor predisposition; Hereditary Cancer Syndrome; Hereditary neoplastic syndrome. Identifiers: Orphanet 140162, MedGen C0027672, MeSH D009386, MONDO:0015356.

Allele frequency attached by ClinVar (database versions not stated): gnomAD exomes below 0.00001; TOPMed below 0.00001; ExAC 0.00002.
gnomAD v4.1: 3 of 1,613,950 alleles (0.00019%); highest among the groups gnomAD compares: Non-Finnish European, 0.00025%; no homozygotes.

Submission:

Ambry Genetics
Classification: Uncertain significance for Hereditary cancer-predisposing syndrome. Last evaluated: 2024-09-20. Review status: criteria provided, single submitter. Criteria: Ambry Variant Classification Scheme 2023. Collection method: clinical testing. Allele origin: germline.
Comment: The p.M69V variant (also known as c.205A>G), located in coding exon 3 of the EPCAM gene, results from an A to G substitution at nucleotide position 205. The methionine at codon 69 is replaced by valine, an amino acid with highly similar properties. This amino acid position is conserved. In addition, this alteration is predicted to be deleterious by in silico analysis. Since supporting evidence is limited at this time, the clinical significance of this alteration remains unclear.

NM_002354.3(EPCAM):c.205A>G (p.Met69Val)

Gene: EPCAM (epithelial cell adhesion molecule; plus strand). Cytogenetic location: 2p21.
Variant type: single nucleotide variant.
Coding change: c.205A>G on transcript NM_002354.3 (MANE Select); coding-DNA position 205, A replaced by G.
Protein change: p.Met69Val; replaces methionine 69 with valine.
Molecular consequence: missense variant.
Genome position (GRCh38, 1-based): chr2:47,373,828, A>G. VCF-style: chr2-47373828-A-G. GRCh37 (hg19) VCF-style: chr2-47600967-A-G.
Other names: short protein forms M69V.
Identifiers: ClinVar variation 1785183 (VCV001785183.3), dbSNP rs750663208, ClinGen allele CA1648926.